The following is an entry in ClinVar:

NM_004958.4(MTOR):c.7401C>G (p.Ala2467=)

Gene: MTOR (mechanistic target of rapamycin kinase; minus strand). Cytogenetic location: 1p36.22.
Variant type: single nucleotide variant.
Coding change: c.7401C>G on transcript NM_004958.4 (MANE Select); coding-DNA position 7401, C replaced by G.
Protein change: p.Ala2467=; no amino-acid change (alanine 2467 retained).
Molecular consequence: synonymous variant.
Genome position (GRCh38, 1-based): chr1:11,109,695, G>C on the plus strand (C>G on the coding strand, the complement: MTOR is on the minus strand). VCF-style: chr1-11109695-G-C. GRCh37 (hg19) VCF-style: chr1-11169752-G-C.
Identifiers: ClinVar variation 696706 (VCV000696706.52), dbSNP rs151027751, ClinGen allele CA588838.
Genomic context (GRCh38, chr1:11,109,695, plus strand): 5'-GAGGCTGAACTTACTGAAAGAATGAATAGATTCTGGCACTGTGGTCCCCGTTTTCTTATG[G>C]GCTGGCTCTCCAAGTTCCACACCGTCCAAAATTTCTATGGGAAAAGAAATCAATTAACAG-3'
Protein context (NP_004949.1, residues 2457-2477): ILDGVELGEP[Ala2467=]HKKTGTTVPE

ClinVar aggregate classification (germline): Benign/Likely benign. Review status: criteria provided, multiple submitters, no conflicts (2 of 4 stars). 5 submissions from 5 submitters: Benign (1); Likely benign (3). 1 of the submissions does not count toward it. Last evaluated 2026-05-01.

Conditions:
MTOR-related disorder. Also called: MTOR-related condition.

Allele frequency attached by ClinVar (database versions not stated): gnomAD 0.00034 and 0.00033; ESP Exome Variant Server 0.00015; 1000 Genomes Project 30x 0.00016; 1000 Genomes Project 0.00020; ExAC 0.00023; TOPMed 0.00024.
gnomAD v4.1: 524 of 1,614,014 alleles (0.032%); highest among the groups gnomAD compares: Non-Finnish European, 0.039%; 3 homozygotes.

Submissions (5):

CeGaT Center for Human Genetics Tuebingen
Classification: Likely benign. Last evaluated: 2026-05-01. Review status: criteria provided, single submitter. Criteria: CeGaT Center For Human Genetics Tuebingen Variant Classification Criteria Version 2. Collection method: clinical testing. Allele origin: germline. Affected: yes. Observed: 10 variant alleles.
Comment: MTOR: BP4, BP7

Labcorp Genetics (formerly Invitae), Labcorp
Classification: Likely benign. Last evaluated: 2026-02-02. Review status: criteria provided, single submitter. Criteria: Invitae Variant Classification Sherloc (09022015). Collection method: clinical testing. Allele origin: germline.

Blueprint Genetics
Classification: Likely benign. Last evaluated: 2024-11-21. Review status: criteria provided, single submitter. Criteria: ACMG Guidelines, 2015. Collection method: clinical testing. Allele origin: germline.

GeneDx
Classification: Benign. Last evaluated: 2018-11-27. Review status: criteria provided, single submitter. Criteria: GeneDx Variant Classification Process June 2021. Collection method: clinical testing. Allele origin: germline. Affected: yes.

PreventionGenetics, part of Exact Sciences
Classification: Likely benign for MTOR-related condition. Last evaluated: 2021-02-02. Review status: no assertion criteria provided. Collection method: clinical testing. Allele origin: germline. Not counted in ClinVar's aggregate classification.
Comment: This variant is classified as likely benign based on ACMG/AMP sequence variant interpretation guidelines (Richards et al. 2015 PMID: 25741868, with internal and published modifications).